The following is an entry in ClinVar:

NM_030973.4(MED25):c.748G>A (p.Ala250Thr)

Gene: MED25 (mediator complex subunit 25; plus strand). Cytogenetic location: 19q13.33.
Variant type: single nucleotide variant.
Coding change: c.748G>A on transcript NM_030973.4 (MANE Select); coding-DNA position 748, G replaced by A.
Protein change: p.Ala250Thr; replaces alanine 250 with threonine.
Molecular consequence: missense variant.
Genome position (GRCh38, 1-based): chr19:49,830,147, G>A. VCF-style: chr19-49830147-G-A. GRCh37 (hg19) VCF-style: chr19-50333404-G-A.
Other names: c.748G>A, p.Ala250Thr (NM_001378355.1); short protein forms A250T.
Identifiers: ClinVar variation 565712 (VCV000565712.6), dbSNP rs371817340, ClinGen allele CA9585001.

ClinVar aggregate classification (germline): Uncertain significance (1 of 4 stars; one submission).

Conditions:
Charcot-Marie-Tooth disease type 2. Also called: Charcot-Marie-Tooth type 2. Identifiers: Orphanet 64746, MedGen C0270914, MONDO:0018993.

Allele frequency attached by ClinVar (database versions not stated): gnomAD exomes 0.00001 and 0.00002; ESP Exome Variant Server 0.00008; gnomAD 0.00002; TOPMed 0.00002; ExAC 0.00003.
gnomAD v4.1: 12 of 1,603,346 alleles (0.00075%); highest among the groups gnomAD compares: Admixed American, 0.0033%; no homozygotes.

Submission:

Labcorp Genetics (formerly Invitae), Labcorp
Classification: Uncertain significance for Charcot-Marie-Tooth disease type 2. Last evaluated: 2023-07-16. Review status: criteria provided, single submitter. Criteria: Invitae Variant Classification Sherloc (09022015). Collection method: clinical testing. Allele origin: germline.
Comment: This sequence change replaces alanine, which is neutral and non-polar, with threonine, which is neutral and polar, at codon 250 of the MED25 protein (p.Ala250Thr). This variant is present in population databases (rs371817340, gnomAD 0.006%). This variant has not been reported in the literature in individuals affected with MED25-related conditions. ClinVar contains an entry for this variant (Variation ID: 565712). Algorithms developed to predict the effect of missense changes on protein structure and function output the following: SIFT: "Not Available"; PolyPhen-2: "Possibly Damaging"; Align-GVGD: "Not Available". The threonine amino acid residue is found in multiple mammalian species, which suggests that this missense change does not adversely affect protein function. In summary, the available evidence is currently insufficient to determine the role of this variant in disease. Therefore, it has been classified as a Variant of Uncertain Significance.